The following is an entry in ClinVar:

NM_006231.4(POLE):c.2466G>T (p.Lys822Asn)

Gene: POLE (DNA polymerase epsilon, catalytic subunit; minus strand). Cytogenetic location: 12q24.33.
Variant type: single nucleotide variant.
Coding change: c.2466G>T on transcript NM_006231.4 (MANE Select); coding-DNA position 2466, G replaced by T.
Protein change: p.Lys822Asn; replaces lysine 822 with asparagine.
Molecular consequence: missense variant.
Genome position (GRCh38, 1-based): chr12:132,665,304, C>A on the plus strand (G>T on the coding strand, the complement: POLE is on the minus strand). VCF-style: chr12-132665304-C-A. GRCh37 (hg19) VCF-style: chr12-133241890-C-A.
Other names: c.2466G>T (NM_006231.2); short protein forms K822N.
Identifiers: ClinVar variation 1060382 (VCV001060382.10), dbSNP rs2135961238, ClinGen allele CA387396879.

ClinVar aggregate classification (germline): Uncertain significance. Review status: criteria provided, multiple submitters, no conflicts (2 of 4 stars). 2 submissions from 2 submitters: Uncertain significance (2). Last evaluated 2026-04-22.

Conditions:
Hereditary cancer-predisposing syndrome. Also called: Hereditary neoplastic syndrome; Neoplastic Syndromes, Hereditary; Tumor predisposition; Hereditary Cancer Syndrome. Identifiers: Orphanet 140162, MedGen C0027672, MeSH D009386, MONDO:0015356.

gnomAD v4.1: 1 of 1,613,486 alleles (0.000062%); highest among the groups gnomAD compares: Non-Finnish European, 0.000085%; no homozygotes.

Submissions (2):

Ambry Genetics
Classification: Uncertain significance for Hereditary cancer-predisposing syndrome. Last evaluated: 2026-04-22. Review status: criteria provided, single submitter. Criteria: Ambry Variant Classification Scheme 2023. Collection method: clinical testing. Allele origin: germline.
Comment: The p.K822N variant (also known as c.2466G>T), located in coding exon 21 of the POLE gene, results from a G to T substitution at nucleotide position 2466. The lysine at codon 822 is replaced by asparagine, an amino acid with similar properties. This amino acid position is conserved. In addition, this alteration is predicted to be tolerated by in silico analysis. Based on the available evidence, the clinical significance of this variant remains unclear.

Labcorp Genetics (formerly Invitae), Labcorp
Classification: Uncertain significance. Last evaluated: 2024-04-02. Review status: criteria provided, single submitter. Criteria: Invitae Variant Classification Sherloc (09022015). Collection method: clinical testing. Allele origin: germline.
Comment: This sequence change replaces lysine, which is basic and polar, with asparagine, which is neutral and polar, at codon 822 of the POLE protein (p.Lys822Asn). This variant is not present in population databases (gnomAD no frequency). This variant has not been reported in the literature in individuals affected with POLE-related conditions. ClinVar contains an entry for this variant (Variation ID: 1060382). An algorithm developed to predict the effect of missense changes on protein structure and function (PolyPhen-2) suggests that this variant is likely to be disruptive. In summary, the available evidence is currently insufficient to determine the role of this variant in disease. Therefore, it has been classified as a Variant of Uncertain Significance.